The following is an entry in ClinVar:

ClinVar aggregate classification (germline): Uncertain significance (1 of 4 stars; one submission).

Submission:

Labcorp Genetics (formerly Invitae), Labcorp
Classification: Uncertain significance. Last evaluated: 2023-09-06. Review status: criteria provided, single submitter. Criteria: Invitae Variant Classification Sherloc (09022015). Collection method: clinical testing. Allele origin: germline.
Comment: In summary, the available evidence is currently insufficient to determine the role of this variant in disease. Therefore, it has been classified as a Variant of Uncertain Significance. An algorithm developed to predict the effect of missense changes on protein structure and function (PolyPhen-2) suggests that this variant is likely to be tolerated. This variant has not been reported in the literature in individuals affected with SUCO-related conditions. This variant is not present in population databases (gnomAD no frequency). This sequence change replaces valine, which is neutral and non-polar, with glycine, which is neutral and non-polar, at codon 799 of the SUCO protein (p.Val799Gly).

NM_014283.5(SUCO):c.2396T>G (p.Val799Gly)

Gene: SUCO (SUN domain containing ossification factor; plus strand). Cytogenetic location: 1q24.3.
Variant type: single nucleotide variant.
Coding change: c.2396T>G on transcript NM_014283.5 (MANE Select); coding-DNA position 2396, T replaced by G.
Protein change: p.Val799Gly; replaces valine 799 with glycine.
Molecular consequence: missense variant. On other transcripts: intron variant (1).
Genome position (GRCh38, 1-based): chr1:172,589,497, T>G. VCF-style: chr1-172589497-T-G. GRCh37 (hg19) VCF-style: chr1-172558637-T-G.
Other names: c.707T>G, p.Val236Gly (NM_001282751.2); c.2849T>G, p.Val950Gly (NM_016227.4); c.1712+573T>G (NM_001282750.2); short protein forms V950G, V236G, V799G.
Identifiers: ClinVar variation 2758604 (VCV002758604.3), dbSNP rs2527423778, ClinGen allele CA343744032.
Genomic context (GRCh38, chr1:172,589,497, plus strand): 5'-AAAAGTCTGAGAGCTTTAGTTCTATAGAGAAACCATCTATTACCTATGAAACAAATAAAG[T>G]TAATGAGTTAATGGATAATATTATAAAAGAAGATGTGAACTCCATGCAAATTTTCACAAA-3'
Protein context (NP_055098.1, residues 789-809): KPSITYETNK[Val799Gly]NELMDNIIKE